The following is an entry in ClinVar:

NM_005993.5(TBCD):c.1569T>C (p.Thr523=)

Gene: TBCD (tubulin folding cofactor D). Cytogenetic location: 17q25.3.
Variant type: single nucleotide variant.
Coding change: c.1569T>C on transcript NM_005993.5 (MANE Select); coding-DNA position 1569, T replaced by C.
Protein change: p.Thr523=; no amino-acid change (threonine 523 retained).
Molecular consequence: synonymous variant.
Genome position (GRCh38, 1-based): chr17:82,893,552, T>C. VCF-style: chr17-82893552-T-C. GRCh37 (hg19) VCF-style: chr17-80851428-T-C.
Other names: c.1569T>C (NM_005993.4); c.1518T>C, p.Thr506= (NM_001411101.1); c.1569T>C, p.Thr523= (NM_001411102.1).
Identifiers: ClinVar variation 2725972 (VCV002725972.5), dbSNP rs574416752, ClinGen allele CA8862669.
Genomic context (GRCh38, chr17:82,893,552, plus strand): 5'-AATGCCTTTGTTCATTCAAATTCTTCTTTTTCCCCCATTTCCACTTTCTTATTAGGGCAC[T>C]TTCCCTCATGGTATTGATATTTTGACCACAGCTGACTATTTTGCCGTCGGTAACAGATCC-3'
Protein context (NP_005984.3, residues 513-533): AFQENVGRQG[Thr523=]FPHGIDILTT

ClinVar aggregate classification (germline): Likely benign. Review status: criteria provided, single submitter (1 of 4 stars). 2 submissions from 2 submitters: Likely benign (1). 1 of the submissions does not count toward it. Last evaluated 2026-01-28.

Conditions:
TBCD-related disorder. Also called: TBCD-related condition.

Allele frequency attached by ClinVar (database versions not stated): gnomAD exomes 0.00013; ExAC 0.00010; TOPMed 0.00008; gnomAD 0.00011.
gnomAD v4.1: 204 of 1,607,704 alleles (0.013%); highest among the groups gnomAD compares: Non-Finnish European, 0.017%; no homozygotes.

Submissions (2):

Labcorp Genetics (formerly Invitae), Labcorp
Classification: Likely benign. Last evaluated: 2026-01-28. Review status: criteria provided, single submitter. Criteria: Invitae Variant Classification Sherloc (09022015). Collection method: clinical testing. Allele origin: germline.

PreventionGenetics, part of Exact Sciences
Classification: Likely benign for TBCD-related condition. Last evaluated: 2023-02-14. Review status: no assertion criteria provided. Collection method: clinical testing. Allele origin: germline. Not counted in ClinVar's aggregate classification.
Comment: This variant is classified as likely benign based on ACMG/AMP sequence variant interpretation guidelines (Richards et al. 2015 PMID: 25741868, with internal and published modifications).